The following is an entry in ClinVar:

ClinVar aggregate classification (germline): Uncertain significance (1 of 4 stars; one submission).

Conditions:
Mitochondrial DNA depletion syndrome 9 (MTDPS9). Also called: SUCLG1-Related Mitochondrial DNA Depletion Syndrome, Encephalomyopathic Form with Methylmalonic Aciduria. Identifiers: Orphanet 17, MedGen C3151476, MONDO:0009504, OMIM 245400.

Submission:

Victorian Clinical Genetics Services, Murdoch Childrens Research Institute
Classification: Uncertain significance for Mitochondrial DNA depletion syndrome 9. Last evaluated: 2026-05-18. Review status: criteria provided, single submitter. Criteria: ACMG Guidelines, 2015. Collection method: clinical testing. Allele origin: germline. Affected: yes.
Comment: This variant is classified as VUS-3A. Evidence in support of pathogenic classification: Variant is absent from gnomAD (v2, v3 and v4); Missense variant predicted to be damaging by in silico tool(s) or highly conserved with a major amino acid change. Additional information: Variant is predicted to result in a missense amino acid change from Leu to Ser; This variant is homozygous; This gene is associated with autosomal recessive disease; Alternative amino acid change(s) at the same position are present in gnomAD (highest allele count: v4: 3 heterozygote(s), 0 homozygote(s)); This variant has no previous evidence of pathogenicity; No published evidence of segregation with disease has been identified for this variant; No published functional evidence has been identified for this variant; No comparable missense variants have previous evidence for pathogenicity; Variant is located in the annotated CoA binding domain (DECIPHER); Loss of function is a known mechanism of disease in this gene and is associated with mitochondrial DNA depletion syndrome 9 (encephalomyopathic type with methylmalonic aciduria) (MIM#245400).

NM_003849.4(SUCLG1):c.416T>C (p.Leu139Ser)

Gene: SUCLG1 (succinate-CoA ligase GDP/ADP-forming subunit alpha; minus strand). Cytogenetic location: 2p11.2.
Variant type: single nucleotide variant.
Coding change: c.416T>C on transcript NM_003849.4 (MANE Select); coding-DNA position 416, T replaced by C.
Protein change: p.Leu139Ser; replaces leucine 139 with serine.
Molecular consequence: missense variant.
Genome position (GRCh38, 1-based): chr2:84,441,362, A>G on the plus strand (T>C on the coding strand, the complement: SUCLG1 is on the minus strand). VCF-style: chr2-84441362-A-G. GRCh37 (hg19) VCF-style: chr2-84668486-A-G.
Other names: short protein forms L139S.
Identifiers: ClinVar variation 4879696 (VCV004879696.1).